The following is an entry in ClinVar:

NM_000525.4(KCNJ11):c.896A>T (p.Gln299Leu)

Gene: KCNJ11 (potassium inwardly rectifying channel subfamily J member 11; minus strand). Cytogenetic location: 11p15.1.
Variant type: single nucleotide variant.
Coding change: c.896A>T on transcript NM_000525.4 (MANE Select); coding-DNA position 896, A replaced by T.
Protein change: p.Gln299Leu; replaces glutamine 299 with leucine.
Molecular consequence: missense variant.
Genome position (GRCh38, 1-based): chr11:17,387,196, T>A on the plus strand (A>T on the coding strand, the complement: KCNJ11 is on the minus strand). VCF-style: chr11-17387196-T-A. GRCh37 (hg19) VCF-style: chr11-17408743-T-A.
Other names: c.635A>T, p.Gln212Leu (NM_001166290.2, NM_001377296.1, NM_001377297.1); short protein forms Q212L, Q299L.
Identifiers: ClinVar variation 3634161 (VCV003634161.2).
Genomic context (GRCh38, chr11:17,387,196, plus strand): 5'-ACAATGGGCACAAAGCGCTGGCCCCACAGGATCTCATCGGCCAGGTAGGAGGTGCGGGCC[T>A]GGGTGGTGATGCCCGTGGTTTCCACCACGCCTTCCAGGATGACGATGATCTCGAGGTCCT-3'
Protein context (NP_000516.3, residues 289-309): GVVETTGITT[Gln299Leu]ARTSYLADEI

ClinVar aggregate classification (germline): Uncertain significance (1 of 4 stars; one submission).

Submission:

Labcorp Genetics (formerly Invitae), Labcorp
Classification: Uncertain significance. Last evaluated: 2024-10-10. Review status: criteria provided, single submitter. Criteria: Invitae Variant Classification Sherloc (09022015). Collection method: clinical testing. Allele origin: germline.
Comment: This sequence change replaces glutamine, which is neutral and polar, with leucine, which is neutral and non-polar, at codon 299 of the KCNJ11 protein (p.Gln299Leu). This variant is not present in population databases (gnomAD no frequency). This variant has not been reported in the literature in individuals affected with KCNJ11-related conditions. Invitae Evidence Modeling of protein sequence and biophysical properties (such as structural, functional, and spatial information, amino acid conservation, physicochemical variation, residue mobility, and thermodynamic stability) indicates that this missense variant is expected to disrupt KCNJ11 protein function with a positive predictive value of 95%. In summary, the available evidence is currently insufficient to determine the role of this variant in disease. Therefore, it has been classified as a Variant of Uncertain Significance.